The following is an entry in ClinVar:

NM_006270.5(RRAS):c.62C>T (p.Pro21Leu)

Gene: RRAS (RAS related; minus strand). Cytogenetic location: 19q13.33.
Variant type: single nucleotide variant.
Coding change: c.62C>T on transcript NM_006270.5 (MANE Select); coding-DNA position 62, C replaced by T.
Protein change: p.Pro21Leu; replaces proline 21 with leucine.
Molecular consequence: missense variant.
Genome position (GRCh38, 1-based): chr19:49,640,037, G>A on the plus strand (C>T on the coding strand, the complement: RRAS is on the minus strand). VCF-style: chr19-49640037-G-A. GRCh37 (hg19) VCF-style: chr19-50143294-G-A.
Other names: short protein forms P21L.
Identifiers: ClinVar variation 1752712 (VCV001752712.3), dbSNP rs2513709723, ClinGen allele CA406849897.
Genomic context (GRCh38, chr19:49,640,037, plus strand): 5'-CCCACGCCGCCGCCGCCCACGACCACCAGCTTGTGTGTCTCGCTGGGCGGGGGGTCCCCG[G>A]GCCCAGGTCCCCCGCCCCGGGGCCGCCCCCGCCCTGTCCCGGACGCCGCCCCGCTGCTCA-3'
Protein context (NP_006261.1, residues 11-31): RGRPRGGGPG[Pro21Leu]GDPPPSETHK

ClinVar aggregate classification (germline): Uncertain significance. Review status: criteria provided, multiple submitters, no conflicts (2 of 4 stars). 2 submissions from 2 submitters: Uncertain significance (2). Last evaluated 2025-09-29.

Conditions:
Noonan syndrome (NS). Also called: Noonan's syndrome. Identifiers: Orphanet 648, MedGen C0028326, MeSH D009634, MONDO:0018997. Disease mechanism: gain of function.

Allele frequency attached by ClinVar (database versions not stated): gnomAD exomes below 0.00001.
gnomAD v4.1: 1 of 1,531,542 alleles (0.000065%); highest among the groups gnomAD compares: South Asian, 0.0012%; no homozygotes.

Submissions (2):

Labcorp Genetics (formerly Invitae), Labcorp
Classification: Uncertain significance for Noonan syndrome. Last evaluated: 2025-09-29. Review status: criteria provided, single submitter. Criteria: Invitae Variant Classification Sherloc (09022015). Collection method: clinical testing. Allele origin: germline.
Comment: This sequence change replaces proline, which is neutral and non-polar, with leucine, which is neutral and non-polar, at codon 21 of the RRAS protein (p.Pro21Leu). This variant is not present in population databases (gnomAD no frequency). This variant has not been reported in the literature in individuals affected with RRAS-related conditions. ClinVar contains an entry for this variant (Variation ID: 1752712). An algorithm developed to predict the effect of missense changes on protein structure and function (PolyPhen-2) suggests that this variant is likely to be disruptive. In summary, the available evidence is currently insufficient to determine the role of this variant in disease. Therefore, it has been classified as a Variant of Uncertain Significance.

Ambry Genetics
Classification: Uncertain significance. Last evaluated: 2022-10-17. Review status: criteria provided, single submitter. Criteria: Ambry Variant Classification Scheme 2023. Collection method: clinical testing. Allele origin: germline.
Comment: The p.P21L variant (also known as c.62C>T), located in coding exon 1 of the RRAS gene, results from a C to T substitution at nucleotide position 62. The proline at codon 21 is replaced by leucine, an amino acid with similar properties. This amino acid position is conserved. In addition, this alteration is predicted to be tolerated by in silico analysis. Since supporting evidence is limited at this time, the clinical significance of this alteration remains unclear.